The following is an entry in ClinVar:

NM_003680.4(YARS1):c.326G>A (p.Gly109Asp)

Gene: YARS1 (tyrosyl-tRNA synthetase 1; minus strand). Cytogenetic location: 1p35.1.
Variant type: single nucleotide variant.
Coding change: c.326G>A on transcript NM_003680.4 (MANE Select); coding-DNA position 326, G replaced by A.
Protein change: p.Gly109Asp; replaces glycine 109 with aspartic acid.
Molecular consequence: missense variant.
Genome position (GRCh38, 1-based): chr1:32,810,645, C>T on the plus strand (G>A on the coding strand, the complement: YARS1 is on the minus strand). VCF-style: chr1-32810645-C-T. GRCh37 (hg19) VCF-style: chr1-33276246-C-T.
Other names: short protein forms G109D.
Identifiers: ClinVar variation 1681531 (VCV001681531.6), dbSNP rs1638562641, ClinGen allele CA339687113.

ClinVar aggregate classification (germline): Uncertain significance (1 of 4 stars; one submission).

Conditions:
Charcot-Marie-Tooth disease dominant intermediate C (CMTDIC). Also called: CHARCOT-MARIE-TOOTH NEUROPATHY, DOMINANT INTERMEDIATE C. Identifiers: Orphanet 100045, MedGen C1842237, MONDO:0012012, OMIM 608323.

gnomAD v4.1: 1 of 1,613,878 alleles (0.000062%); highest among the groups gnomAD compares: Non-Finnish European, 0.000085%; no homozygotes.

Submission:

Labcorp Genetics (formerly Invitae), Labcorp
Classification: Uncertain significance for Charcot-Marie-Tooth disease dominant intermediate C. Last evaluated: 2021-05-19. Review status: criteria provided, single submitter. Criteria: Invitae Variant Classification Sherloc (09022015). Collection method: clinical testing. Allele origin: germline.
Comment: This sequence change replaces glycine with aspartic acid at codon 109 of the YARS protein (p.Gly109Asp). The glycine residue is highly conserved and there is a moderate physicochemical difference between glycine and aspartic acid. This variant is not present in population databases (ExAC no frequency). This variant has not been reported in the literature in individuals with YARS-related conditions. Algorithms developed to predict the effect of missense changes on protein structure and function are either unavailable or do not agree on the potential impact of this missense change (SIFT: "Not Available"; PolyPhen-2: "Benign"; Align-GVGD: "Not Available"). In summary, the available evidence is currently insufficient to determine the role of this variant in disease. Therefore, it has been classified as a Variant of Uncertain Significance.